The following is an entry in ClinVar:

ClinVar aggregate classification (germline): Likely benign (1 of 4 stars; one submission).

Conditions:
Familial colorectal cancer type X. Identifiers: Orphanet 440437, MedGen C3896578, MONDO:0018604.

Submission:

Myriad Genetics, Inc.
Classification: Likely benign for Familial colorectal cancer type X. Last evaluated: 2026-07-31. Review status: criteria provided, single submitter. Criteria: Myriad Autosomal Dominant, Autosomal Recessive and X-Linked Classification Criteria (2023). Collection method: clinical testing. Allele origin: unknown.
Comment: This variant is considered likely benign. This variant is intronic and is not expected to impact mRNA splicing.

NM_001146227.3(RPS20):c.334-19G>C

Gene: RPS20 (ribosomal protein S20; minus strand). Cytogenetic location: 8q12.1.
Variant type: single nucleotide variant.
Coding change: c.334-19G>C on transcript NM_001146227.3; 19 bases into the intron before coding-DNA position 334, G replaced by C.
Molecular consequence: intron variant.
Genome position (GRCh38, 1-based): chr8:56,069,852, C>G on the plus strand (G>C on the coding strand, the complement: RPS20 is on the minus strand). VCF-style: chr8-56069852-C-G. GRCh37 (hg19) VCF-style: chr8-56982411-C-G.
Identifiers: ClinVar variation 5042188 (VCV005042188.1).